The following is an entry in ClinVar:

NM_000492.4(CFTR):c.1569A>G (p.Ala523=)

Genes: CFTR (CF transmembrane conductance regulator; plus strand), CFTR-AS1 (CFTR antisense RNA 1; minus strand). Cytogenetic location: 7q31.2.
Variant type: single nucleotide variant.
Coding change: c.1569A>G on transcript NM_000492.4 (MANE Select); coding-DNA position 1569, A replaced by G.
Protein change: p.Ala523=; no amino-acid change (alanine 523 retained).
Molecular consequence: synonymous variant.
Genome position (GRCh38, 1-based): chr7:117,559,640, A>G. VCF-style: chr7-117559640-A-G. GRCh37 (hg19) VCF-style: chr7-117199694-A-G.
Identifiers: ClinVar variation 3051267 (VCV003051267.3), dbSNP rs2485065974, ClinGen allele CA457228915.

ClinVar aggregate classification (germline): Conflicting classifications of pathogenicity. Review status: no assertion criteria provided (0 of 4 stars). 2 submissions from 2 submitters: Uncertain significance (1); Likely benign (1). Last evaluated 2025-03-09.

Conditions:
CFTR-related disorder (CFTR-RD). Also called: CFTR-related condition; CFTR-related disorders. Identifiers: MedGen C5924204, MONDO:7770004.

Allele frequency attached by ClinVar (database versions not stated): gnomAD exomes below 0.00001.
gnomAD v4.1: 1 of 1,612,844 alleles (0.000062%); highest among the groups gnomAD compares: South Asian, 0.0011%; no homozygotes.

Submissions (2):

Natera, Inc.
Classification: Uncertain significance for CFTR-related disorders. Last evaluated: 2025-03-09. Review status: no assertion criteria provided. Collection method: clinical testing. Allele origin: germline.

PreventionGenetics, part of Exact Sciences
Classification: Likely benign for CFTR-related condition. Last evaluated: 2023-02-17. Review status: no assertion criteria provided. Collection method: clinical testing. Allele origin: germline.
Comment: This variant is classified as likely benign based on ACMG/AMP sequence variant interpretation guidelines (Richards et al. 2015 PMID: 25741868, with internal and published modifications).